The following is an entry in ClinVar:

ClinVar aggregate classification (germline): Uncertain significance (1 of 4 stars; one submission).

Submission:

Ambry Genetics
Classification: Uncertain significance. Last evaluated: 2026-01-03. Review status: criteria provided, single submitter. Criteria: Ambry Variant Classification Scheme 2023. Collection method: clinical testing. Allele origin: germline.
Comment: The p.I1157L variant (also known as c.3469A>C), located in coding exon 13 of the CDK12 gene, results from an A to C substitution at nucleotide position 3469. The isoleucine at codon 1157 is replaced by leucine, an amino acid with highly similar properties. This amino acid position is conserved. In addition, this alteration is predicted to be tolerated by in silico analysis. Based on the available evidence, the clinical significance of this variant remains unclear.

NM_016507.4(CDK12):c.3469A>C (p.Ile1157Leu)

Gene: CDK12 (cyclin dependent kinase 12; plus strand). Cytogenetic location: 17q12.
Variant type: single nucleotide variant.
Coding change: c.3469A>C on transcript NM_016507.4 (MANE Select); coding-DNA position 3469, A replaced by C.
Protein change: p.Ile1157Leu; replaces isoleucine 1157 with leucine.
Molecular consequence: missense variant.
Genome position (GRCh38, 1-based): chr17:39,526,025, A>C. VCF-style: chr17-39526025-A-C. GRCh37 (hg19) VCF-style: chr17-37682278-A-C.
Other names: c.3469A>C, p.Ile1157Leu (NM_015083.4); short protein forms I1157L.
Identifiers: ClinVar variation 4841695 (VCV004841695.1).